The following is an entry in ClinVar:

NM_014000.3(VCL):c.2802C>T (p.Ala934=)

Gene: VCL (vinculin; plus strand). Cytogenetic location: 10q22.2.
Variant type: single nucleotide variant.
Coding change: c.2802C>T on transcript NM_014000.3 (MANE Select); coding-DNA position 2802, C replaced by T.
Protein change: p.Ala934=; no amino-acid change (alanine 934 retained).
Molecular consequence: synonymous variant. On other transcripts: intron variant (1).
Genome position (GRCh38, 1-based): chr10:74,111,965, C>T. VCF-style: chr10-74111965-C-T. GRCh37 (hg19) VCF-style: chr10-75871723-C-T.
Other names: c.2746-2219C>T (NM_003373.4).
Identifiers: ClinVar variation 300796 (VCV000300796.29), dbSNP rs372381809, ClinGen allele CA5563312.
Genomic context (GRCh38, chr10:74,111,965, plus strand): 5'-AAAGCCGGGCATCCCAGCCGCTGAGGTGGGTATAGGTGTTGTAGCTGAGGCAGATGCGGC[C>T]GATGCTGCTGGCTTCCCTGTCCCCCCTGACATGGAAGACGATTACGAACCTGAGCTGCTG-3'
Protein context (NP_054706.1, residues 924-944): GIGVVAEADA[Ala934=]DAAGFPVPPD

ClinVar aggregate classification (germline): Conflicting classifications of pathogenicity. Review status: criteria provided, conflicting classifications (1 of 4 stars). 5 submissions from 5 submitters: Uncertain significance (1); Likely benign (4). Last evaluated 2026-09-01.

Conditions:
Cardiovascular phenotype. Identifiers: MedGen CN230736.
Dilated cardiomyopathy 1W (CMD1W). Identifiers: Orphanet 154, MedGen C1969639, MONDO:0012667, OMIM 611407.

Allele frequency attached by ClinVar (database versions not stated): gnomAD 0.00006 and 0.00007; ExAC 0.00007; ESP Exome Variant Server 0.00008; TOPMed 0.00009; gnomAD exomes 0.00012.
gnomAD v4.1: 137 of 1,614,042 alleles (0.0085%); highest among the groups gnomAD compares: Admixed American, 0.03%; no homozygotes.

Submissions (5):

CeGaT Center for Human Genetics Tuebingen
Classification: Likely benign. Last evaluated: 2026-09-01. Review status: criteria provided, single submitter. Criteria: CeGaT Center For Human Genetics Tuebingen Variant Classification Criteria Version 2. Collection method: clinical testing. Allele origin: germline. Affected: yes. Observed: 1 variant allele.
Comment: VCL: BP4, BP7

Labcorp Genetics (formerly Invitae), Labcorp
Classification: Likely benign for Dilated cardiomyopathy 1W. Last evaluated: 2026-01-11. Review status: criteria provided, single submitter. Criteria: Invitae Variant Classification Sherloc (09022015). Collection method: clinical testing. Allele origin: germline.

GeneDx
Classification: Likely benign. Last evaluated: 2020-10-05. Review status: criteria provided, single submitter. Criteria: GeneDx Variant Classification Process June 2021. Collection method: clinical testing. Allele origin: germline. Affected: yes.

Ambry Genetics
Classification: Likely benign for Cardiovascular phenotype. Last evaluated: 2019-12-30. Review status: criteria provided, single submitter. Criteria: Ambry Variant Classification Scheme 2023. Collection method: clinical testing. Allele origin: germline.

Illumina Laboratory Services, Illumina
Classification: Uncertain significance for Dilated cardiomyopathy 1W. Last evaluated: 2018-01-13. Review status: criteria provided, single submitter. Criteria: ICSL Variant Classification Criteria 13 December 2019. Collection method: clinical testing. Allele origin: germline.